The following is an entry in ClinVar:

ClinVar aggregate classification (germline): Likely benign. Review status: criteria provided, multiple submitters, no conflicts (2 of 4 stars). 2 submissions from 2 submitters: Likely benign (2). Last evaluated 2026-05-29.

Conditions:
Gastrointestinal stromal tumor. Also called: Gastrointestinal stromal tumor, somatic; Gastrointestinal stroma tumor. Identifiers: Orphanet 44890, MedGen C0238198, MeSH D046152, MONDO:0011719, OMIM 606764, HP:0100723.

Allele frequency attached by ClinVar (database versions not stated): gnomAD exomes below 0.00001.
gnomAD v4.1: 1 of 1,612,984 alleles (0.000062%); highest among the groups gnomAD compares: Admixed American, 0.0017%; no homozygotes.

Submissions (2):

Myriad Genetics, Inc.
Classification: Likely benign for Gastrointestinal stromal tumor. Last evaluated: 2026-05-29. Review status: criteria provided, single submitter. Criteria: Myriad Autosomal Dominant, Autosomal Recessive and X-Linked Classification Criteria (2023). Collection method: clinical testing. Allele origin: unknown.
Comment: This variant is considered likely benign. This variant is intronic and is not expected to impact mRNA splicing.

Labcorp Genetics (formerly Invitae), Labcorp
Classification: Likely benign for Gastrointestinal stromal tumor. Last evaluated: 2025-12-03. Review status: criteria provided, single submitter. Criteria: Invitae Variant Classification Sherloc (09022015). Collection method: clinical testing. Allele origin: germline.

NM_000222.3(KIT):c.1991-16T>C

Gene: KIT (KIT proto-oncogene, receptor tyrosine kinase; plus strand). Cytogenetic location: 4q12.
Variant type: single nucleotide variant.
Coding change: c.1991-16T>C on transcript NM_000222.3 (MANE Select); 16 bases into the intron before coding-DNA position 1991, T replaced by C.
Molecular consequence: intron variant.
Genome position (GRCh38, 1-based): chr4:54,729,319, T>C. VCF-style: chr4-54729319-T-C. GRCh37 (hg19) VCF-style: chr4-55595485-T-C.
Other names: c.1994-16T>C (NM_001385284.1, NM_001385290.1); c.1982-16T>C (NM_001385288.1, NM_001385292.1); c.1991-16T>C (NM_001385285.1); c.1979-16T>C (NM_001093772.2, NM_001385286.1).
Identifiers: ClinVar variation 1572790 (VCV001572790.9), dbSNP rs1341983868, ClinGen allele CA551369063.